The following is an entry in ClinVar:

ClinVar aggregate classification (germline): Pathogenic. Review status: criteria provided, multiple submitters, no conflicts (2 of 4 stars). 2 submissions from 2 submitters: Pathogenic (2). Last evaluated 2025-09-10.

Conditions:
Neurofibromatosis, type 1 (NF1). Also called: VON RECKLINGHAUSEN DISEASE; NEUROFIBROMATOSIS, TYPE I, SOMATIC; Neurofibromatosis, type I; Peripheral type neurofibromatosis. Identifiers: Orphanet 636, MedGen C0027831, MONDO:0018975, OMIM 162200. Disease mechanism: loss of function.
Cardiovascular phenotype. Identifiers: MedGen CN230736.
Hereditary cancer-predisposing syndrome. Also called: Neoplastic Syndromes, Hereditary; Tumor predisposition; Hereditary Cancer Syndrome; Hereditary neoplastic syndrome. Identifiers: Orphanet 140162, MedGen C0027672, MeSH D009386, MONDO:0015356.

Submissions (2):

Genomic Medicine Center of Excellence, King Faisal Specialist Hospital and Research Centre
Classification: Pathogenic for Neurofibromatosis, type 1. Last evaluated: 2025-09-10. Review status: criteria provided, single submitter. Criteria: ACMG Guidelines, 2015. Collection method: clinical testing. Allele origin: germline.

Ambry Genetics
Classification: Pathogenic for Cardiovascular phenotype; Hereditary cancer-predisposing syndrome. Last evaluated: 2020-09-17. Review status: criteria provided, single submitter. Criteria: Ambry Variant Classification Scheme 2023. Collection method: clinical testing. Allele origin: germline.
Comment: The c.5481delA pathogenic mutation, located in coding exon 37 of the NF1 gene, results from a deletion of one nucleotide at nucleotide position 5481, causing a translational frameshift with a predicted alternate stop codon (p.D1828Mfs*14). This alteration is expected to result in loss of function by premature protein truncation or nonsense-mediated mRNA decay. As such, this alteration is interpreted as a disease-causing mutation.

NM_001042492.3(NF1):c.5544del (p.Asp1849fs)

Gene: NF1 (neurofibromin 1; plus strand). Cytogenetic location: 17q11.2.
Variant type: Deletion.
Coding change: c.5544del on transcript NM_001042492.3 (MANE Select); coding-DNA position 5544, one base deleted (A; older notation c.5544delA).
Protein change: p.Asp1849fs; shifts the reading frame from aspartic acid 1849.
Molecular consequence: frameshift variant.
Genome position (GRCh38, 1-based): chr17:31,327,774, A deleted; the last of 4 consecutive A bases (chr17:31,327,771-31,327,774); deleting any one gives the same sequence. VCF-style (leftmost placement, unchanged base first): chr17-31327770-CA-C. GRCh37 (hg19) VCF-style: chr17-29654788-CA-C.
Other names: c.5481delA (NM_000267.3); c.5481delA, p.Asp1828Metfs (NM_000267.4); short protein forms D1828fs, D1849fs.
Identifiers: ClinVar variation 1747806 (VCV001747806.3), dbSNP rs2508707889, ClinGen allele CA2580093331.